The following is an entry in ClinVar:

ClinVar aggregate classification (germline): Pathogenic/Likely pathogenic. Review status: criteria provided, multiple submitters, no conflicts (2 of 4 stars). 2 submissions from 2 submitters: Pathogenic (1); Likely pathogenic (1). Last evaluated 2023-09-15.

Conditions:
EPHB4-related disorder. Also called: EPHB4-related condition; EPHB4-related disorders.

Allele frequency attached by ClinVar (database versions not stated): gnomAD 0.00001; TOPMed 0.00001.
gnomAD v4.1: 1 of 1,613,950 alleles (0.000062%); highest among the groups gnomAD compares: African/African-American, 0.0013%; no homozygotes.

Submissions (2):

Blueprint Genetics
Classification: Pathogenic for EPHB4-related disorders. Last evaluated: 2023-09-15. Review status: criteria provided, single submitter. Criteria: ACMG Guidelines, 2015. Collection method: clinical testing. Allele origin: germline. Affected: yes. Observed: 5 variant alleles.

Labcorp Genetics (formerly Invitae), Labcorp
Classification: Likely pathogenic. Last evaluated: 2022-10-31. Review status: criteria provided, single submitter. Criteria: Invitae Variant Classification Sherloc (09022015). Collection method: clinical testing. Allele origin: germline.
Comment: In summary, the currently available evidence indicates that the variant is pathogenic, but additional data are needed to prove that conclusively. Therefore, this variant has been classified as Likely Pathogenic. Algorithms developed to predict the effect of sequence changes on RNA splicing suggest that this variant may disrupt the consensus splice site. This variant has not been reported in the literature in individuals affected with EPHB4-related conditions. This variant is not present in population databases (gnomAD no frequency). This sequence change affects a donor splice site in intron 9 of the EPHB4 gene. It is expected to disrupt RNA splicing. Variants that disrupt the donor or acceptor splice site typically lead to a loss of protein function (PMID: 16199547), and loss-of-function variants in EPHB4 are known to be pathogenic (PMID: 28687708).

Literature cited by the submitters: PubMed 16199547 (cited by Labcorp Genetics (formerly Invitae), Labcorp); PubMed 28687708 (cited by Labcorp Genetics (formerly Invitae), Labcorp).

NM_004444.5(EPHB4):c.1691+1G>A

Gene: EPHB4 (EPH receptor B4; minus strand). Cytogenetic location: 7q22.1.
Variant type: single nucleotide variant.
Coding change: c.1691+1G>A on transcript NM_004444.5 (MANE Select); the canonical splice donor site of the intron after coding-DNA position 1691, G replaced by A.
Molecular consequence: splice donor variant.
Genome position (GRCh38, 1-based): chr7:100,813,918, C>T on the plus strand (G>A on the coding strand, the complement: EPHB4 is on the minus strand). VCF-style: chr7-100813918-C-T. GRCh37 (hg19) VCF-style: chr7-100411540-C-T.
Identifiers: ClinVar variation 2999753 (VCV002999753.4), dbSNP rs968248232, ClinGen allele CA163280391.